The following is an entry in ClinVar:

NM_004260.4(RECQL4):c.1140G>A (p.Lys380=)

Gene: RECQL4 (RecQ like helicase 4; minus strand). Cytogenetic location: 8q24.3.
Variant type: single nucleotide variant.
Coding change: c.1140G>A on transcript NM_004260.4 (MANE Select); coding-DNA position 1140, G replaced by A.
Protein change: p.Lys380=; no amino-acid change (lysine 380 retained).
Molecular consequence: synonymous variant.
Genome position (GRCh38, 1-based): chr8:144,515,882, C>T on the plus strand (G>A on the coding strand, the complement: RECQL4 is on the minus strand). VCF-style: chr8-144515882-C-T. GRCh37 (hg19) VCF-style: chr8-145741266-C-T.
Other names: c.1140G>A (NM_004260.3).
Identifiers: ClinVar variation 1134027 (VCV001134027.32), dbSNP rs1159732841, ClinGen allele CA463473945.

ClinVar aggregate classification (germline): Likely benign. Review status: criteria provided, multiple submitters, no conflicts (2 of 4 stars). 3 submissions from 3 submitters: Likely benign (3). Last evaluated 2025-03-20.

Conditions:
Baller-Gerold syndrome (BGS). Also called: CRANIOSYNOSTOSIS WITH RADIAL DEFECTS. Identifiers: Orphanet 1225, MedGen C0265308, MONDO:0009039, OMIM 218600.
Inborn genetic diseases. Identifiers: MedGen C0950123, MeSH D030342.

Allele frequency attached by ClinVar (database versions not stated): gnomAD exomes below 0.00001; TOPMed below 0.00001; gnomAD 0.00001.
gnomAD v4.1: 6 of 1,612,812 alleles (0.00037%); highest among the groups gnomAD compares: African/African-American, 0.0013%; no homozygotes.

Submissions (3):

Labcorp Genetics (formerly Invitae), Labcorp
Classification: Likely benign for Baller-Gerold syndrome. Last evaluated: 2025-03-20. Review status: criteria provided, single submitter. Criteria: Invitae Variant Classification Sherloc (09022015). Collection method: clinical testing. Allele origin: germline.

Ambry Genetics
Classification: Likely benign for Inborn genetic diseases. Last evaluated: 2025-02-06. Review status: criteria provided, single submitter. Criteria: Ambry Variant Classification Scheme 2023. Collection method: clinical testing. Allele origin: germline.

CeGaT Center for Human Genetics Tuebingen
Classification: Likely benign. Last evaluated: 2023-06-01. Review status: criteria provided, single submitter. Criteria: CeGaT Center For Human Genetics Tuebingen Variant Classification Criteria Version 2. Collection method: clinical testing. Allele origin: germline. Affected: yes. Observed: 1 variant allele.
Comment: RECQL4: BP4, BP7